The following is an entry in ClinVar:

NM_013296.5(GPSM2):c.1669C>T (p.Arg557Cys)

Gene: GPSM2 (G protein signaling modulator 2; plus strand). Cytogenetic location: 1p13.3.
Variant type: single nucleotide variant.
Coding change: c.1669C>T on transcript NM_013296.5 (MANE Select); coding-DNA position 1669, C replaced by T.
Protein change: p.Arg557Cys; replaces arginine 557 with cysteine.
Molecular consequence: missense variant.
Genome position (GRCh38, 1-based): chr1:108,924,068, C>T. VCF-style: chr1-108924068-C-T. GRCh37 (hg19) VCF-style: chr1-109466690-C-T.
Other names: c.1669C>T, p.Arg557Cys (NM_001321038.2, NM_001321039.3); c.1669C>T (NM_013296.4); short protein forms R557C.
Identifiers: ClinVar variation 1436298 (VCV001436298.9), dbSNP rs995472329, ClinGen allele CA28579335.
Genomic context (GRCh38, chr1:108,924,068, plus strand): 5'-GTTCCTGTGGTATCCCCCAACACGGATGAGTTTTTAGATCTTCTTGCCAGCTCACAGAGT[C>T]GCCGTCTGGATGACCAGAGGGCTAGTTTCAGTAATTTGCCAGGGCTTCGTCTAACACAAA-3'
Protein context (NP_037428.3, residues 547-567): FLDLLASSQS[Arg557Cys]RLDDQRASFS

ClinVar aggregate classification (germline): Conflicting classifications of pathogenicity. Review status: criteria provided, conflicting classifications (1 of 4 stars). 3 submissions from 3 submitters: Uncertain significance (2); Likely benign (1). Last evaluated 2025-08-22.

Conditions:
Inborn genetic diseases. Identifiers: MedGen C0950123, MeSH D030342.
Chudley-McCullough syndrome (CMCS). Also called: DEAFNESS, SENSORINEURAL, WITH PARTIAL AGENESIS OF THE CORPUS CALLOSUM AND ARACHNOID CYSTS; Deafness, autosomal recessive 82. Identifiers: Orphanet 314597, MedGen C1858695, MONDO:0011411, OMIM 604213.

Allele frequency attached by ClinVar (database versions not stated): gnomAD 0.00001 and 0.00002; gnomAD exomes 0.00001; TOPMed 0.00003.
gnomAD v4.1: 14 of 1,612,986 alleles (0.00087%); highest among the groups gnomAD compares: Middle Eastern, 0.049%; no homozygotes.

Submissions (3):

Ambry Genetics
Classification: Uncertain significance for Inborn genetic diseases. Last evaluated: 2025-08-22. Review status: criteria provided, single submitter. Criteria: Ambry Variant Classification Scheme 2023. Collection method: clinical testing. Allele origin: germline.

3billion
Classification: Likely benign for Chudley-McCullough syndrome. Last evaluated: 2024-09-20. Review status: criteria provided, single submitter. Criteria: ACMG Guidelines, 2015. Collection method: clinical testing. Allele origin: germline. Affected: no.
Comment: The homozygous variant was found in patients diagnosed with another variant in a different gene, with no symptoms related to the gene containing the homozygous variant.

Labcorp Genetics (formerly Invitae), Labcorp
Classification: Uncertain significance. Last evaluated: 2022-10-04. Review status: criteria provided, single submitter. Criteria: Invitae Variant Classification Sherloc (09022015). Collection method: clinical testing. Allele origin: germline.
Comment: This sequence change replaces arginine, which is basic and polar, with cysteine, which is neutral and slightly polar, at codon 557 of the GPSM2 protein (p.Arg557Cys). This variant is present in population databases (no rsID available, gnomAD 0.003%). This variant has not been reported in the literature in individuals affected with GPSM2-related conditions. ClinVar contains an entry for this variant (Variation ID: 1436298). Advanced modeling of protein sequence and biophysical properties (such as structural, functional, and spatial information, amino acid conservation, physicochemical variation, residue mobility, and thermodynamic stability) performed at Invitae indicates that this missense variant is not expected to disrupt GPSM2 protein function. In summary, the available evidence is currently insufficient to determine the role of this variant in disease. Therefore, it has been classified as a Variant of Uncertain Significance.